The following is an entry in ClinVar:

ClinVar aggregate classification (germline): Benign/Likely benign. Review status: criteria provided, multiple submitters, no conflicts (2 of 4 stars). 6 submissions from 6 submitters: Benign (5); Likely benign (1). Last evaluated 2026-02-01.

Conditions:
Autosomal recessive limb-girdle muscular dystrophy type 2Y (MRRSDC). Also called: Muscular dystrophy, autosomal recessive, with rigid spine and distal joint contractures; Muscular dystrophy, limb-girdle, type 2y. Identifiers: Orphanet 424261, MedGen C4511482, MONDO:0014900, OMIM 617072.

Allele frequency attached by ClinVar (database versions not stated): 1000 Genomes Project 30x 0.00016; 1000 Genomes Project 0.00020; TOPMed 0.00064; gnomAD 0.00066 and 0.00068; ExAC 0.00079; gnomAD exomes 0.00086; ESP Exome Variant Server 0.00100.
gnomAD v4.1: 955 of 1,614,032 alleles (0.059%); highest among the groups gnomAD compares: Middle Eastern, 0.21%; 3 homozygotes.

Submissions (6):

Labcorp Genetics (formerly Invitae), Labcorp
Classification: Benign for Autosomal recessive limb-girdle muscular dystrophy type 2Y. Last evaluated: 2026-02-01. Review status: criteria provided, single submitter. Criteria: Invitae Variant Classification Sherloc (09022015). Collection method: clinical testing. Allele origin: germline.

Mayo Clinic Laboratories, Mayo Clinic
Classification: Benign. Last evaluated: 2025-05-01. Review status: criteria provided, single submitter. Criteria: ACMG Guidelines, 2015. Collection method: clinical testing. Allele origin: germline. Observed: 2 variant alleles.
Comment: BA1, BP4_moderate

Blueprint Genetics
Classification: Likely benign. Last evaluated: 2024-11-07. Review status: criteria provided, single submitter. Criteria: ACMG Guidelines, 2015. Collection method: clinical testing. Allele origin: germline.

Genome-Nilou Lab
Classification: Benign for Autosomal recessive limb-girdle muscular dystrophy type 2Y. Last evaluated: 2023-04-11. Review status: criteria provided, single submitter. Criteria: ACMG Guidelines, 2015. Collection method: clinical testing. Allele origin: germline. Affected: no.

GeneDx
Classification: Benign. Last evaluated: 2018-10-25. Review status: criteria provided, single submitter. Criteria: GeneDx Variant Classification Process June 2021. Collection method: clinical testing. Allele origin: germline. Affected: yes.

Breakthrough Genomics
Classification: Benign. Review status: criteria provided, single submitter. Criteria: ACMG Guidelines, 2015. Collection method: not provided. Allele origin: germline. Inheritance: Autosomal recessive inheritance. Affected: yes.

NM_015602.4(TOR1AIP1):c.428C>T (p.Ser143Phe)

Genes: TOR1AIP1 (torsin 1A interacting protein 1; plus strand), LOC112577517 (Sharpr-MPRA regulatory region 13766; plus strand). Cytogenetic location: 1q25.2.
Variant type: single nucleotide variant.
Coding change: c.428C>T on transcript NM_015602.4 (MANE Select); coding-DNA position 428, C replaced by T.
Protein change: p.Ser143Phe; replaces serine 143 with phenylalanine.
Molecular consequence: missense variant.
Genome position (GRCh38, 1-based): chr1:179,882,930, C>T. VCF-style: chr1-179882930-C-T. GRCh37 (hg19) VCF-style: chr1-179852065-C-T.
Other names: p.Ser143Phe; c.428C>T, p.Ser143Phe (NM_001267578.2); short protein forms S143F.
Identifiers: ClinVar variation 476285 (VCV000476285.20), dbSNP rs141391430, ClinGen allele CA1268750.